The following is an entry in ClinVar:

ClinVar aggregate classification (germline): Pathogenic (1 of 4 stars; one submission).

Conditions:
Duchenne muscular dystrophy (DMD). Also called: MUSCULAR DYSTROPHY, PSEUDOHYPERTROPHIC PROGRESSIVE, DUCHENNE TYPE; Duchenne Muscular Dystrophy (DMD). Identifiers: Orphanet 98896, MedGen C0013264, MONDO:0010679, OMIM 310200.

Submission:

Labcorp Genetics (formerly Invitae), Labcorp
Classification: Pathogenic for Duchenne muscular dystrophy. Last evaluated: 2020-08-14. Review status: criteria provided, single submitter. Criteria: Invitae Variant Classification Sherloc (09022015). Collection method: clinical testing. Allele origin: germline.
Comment: For these reasons, this variant has been classified as Pathogenic. Loss-of-function variants in DMD are known to be pathogenic (PMID: 16770791, 25007885). This variant has not been reported in the literature in individuals with DMD-related conditions. This variant is not present in population databases (ExAC no frequency). This sequence change creates a premature translational stop signal (p.Gln2560Hisfs*16) in the DMD gene. It is expected to result in an absent or disrupted protein product.

Literature cited by the submitters: PubMed 16770791; PubMed 25007885.

NM_004006.3(DMD):c.7680del (p.Gln2560fs)

Gene: DMD (dystrophin; minus strand). Cytogenetic location: Xp21.1.
Variant type: Deletion.
Coding change: c.7680del on transcript NM_004006.3 (MANE Select); coding-DNA position 7680, one base deleted (G; older notation c.7680delG).
Protein change: p.Gln2560fs; shifts the reading frame from glutamine 2560.
Molecular consequence: frameshift variant.
Genome position (GRCh38, 1-based): chrX:31,679,567, C deleted on the plus strand (G on the coding strand, the reverse complement: DMD is on the minus strand). VCF-style (leftmost placement, unchanged base first): chrX-31679566-AC-A. GRCh37 (hg19) VCF-style: chrX-31697683-AC-A.
Other names: c.7656del, p.Gln2552fs (NM_000109.4); c.7668del, p.Gln2556fs (NM_004009.3); c.7311del, p.Gln2437fs (NM_004010.3); c.3657del, p.Gln1219fs (NM_004011.4); c.3648del, p.Gln1216fs (NM_004012.4); c.300del, p.Gln100fs (NM_004013.3, NM_004020.4, NM_004021.3 and 2 more transcripts); short protein forms Q100fs, Q1216fs, Q1219fs, Q2437fs, Q2552fs, Q2556fs, Q2560fs.
Identifiers: ClinVar variation 1076312 (VCV001076312.7), dbSNP rs2148734269, ClinGen allele CA2499226627.